The following is an entry in ClinVar:

ClinVar aggregate classification (germline): Uncertain significance. Review status: criteria provided, multiple submitters, no conflicts (2 of 4 stars). 2 submissions from 2 submitters: Uncertain significance (2). Last evaluated 2024-07-02.

Conditions:
Inborn genetic diseases. Identifiers: MedGen C0950123, MeSH D030342.
Aortic valve disease 2 (AOVD2). Identifiers: MedGen C3542024, MONDO:0013902, OMIM 614823.

gnomAD v4.1: 1 of 1,473,974 alleles (0.000068%); highest among the groups gnomAD compares: Non-Finnish European, 0.00009%; no homozygotes.

Submissions (2):

Labcorp Genetics (formerly Invitae), Labcorp
Classification: Uncertain significance for Aortic valve disease 2. Last evaluated: 2024-07-02. Review status: criteria provided, single submitter. Criteria: Invitae Variant Classification Sherloc (09022015). Collection method: clinical testing. Allele origin: germline.
Comment: This sequence change replaces aspartic acid, which is acidic and polar, with valine, which is neutral and non-polar, at codon 36 of the SMAD6 protein (p.Asp36Val). This variant is not present in population databases (gnomAD no frequency). This variant has not been reported in the literature in individuals affected with SMAD6-related conditions. ClinVar contains an entry for this variant (Variation ID: 1785922). An algorithm developed to predict the effect of missense changes on protein structure and function (PolyPhen-2) suggests that this variant is likely to be tolerated. In summary, the available evidence is currently insufficient to determine the role of this variant in disease. Therefore, it has been classified as a Variant of Uncertain Significance.

Ambry Genetics
Classification: Uncertain significance for Inborn genetic diseases. Last evaluated: 2021-08-02. Review status: criteria provided, single submitter. Criteria: Ambry Variant Classification Scheme 2023. Collection method: clinical testing. Allele origin: germline.
Comment: The p.D36V variant (also known as c.107A>T), located in coding exon 1 of the SMAD6 gene, results from an A to T substitution at nucleotide position 107. The aspartic acid at codon 36 is replaced by valine, an amino acid with highly dissimilar properties. This amino acid position is conserved. In addition, the in silico prediction for this alteration is inconclusive. Since supporting evidence is limited at this time, the clinical significance of this alteration remains unclear.

NM_005585.5(SMAD6):c.107A>T (p.Asp36Val)

Gene: SMAD6 (SMAD family member 6; plus strand). Cytogenetic location: 15q22.31.
Variant type: single nucleotide variant.
Coding change: c.107A>T on transcript NM_005585.5 (MANE Select); coding-DNA position 107, A replaced by T.
Protein change: p.Asp36Val; replaces aspartic acid 36 with valine.
Molecular consequence: missense variant. On other transcripts: non-coding transcript variant (1).
Genome position (GRCh38, 1-based): chr15:66,703,365, A>T. VCF-style: chr15-66703365-A-T. GRCh37 (hg19) VCF-style: chr15-66995703-A-T.
Other names: short protein forms D36V.
Identifiers: ClinVar variation 1785922 (VCV001785922.4), dbSNP rs763029325, ClinGen allele CA392948537.